The following is an entry in ClinVar:

NM_004655.4(AXIN2):c.2405+4A>G

Gene: AXIN2 (axin 2; minus strand). Cytogenetic location: 17q24.1.
Variant type: single nucleotide variant.
Coding change: c.2405+4A>G on transcript NM_004655.4 (MANE Select); 4 bases into the intron after coding-DNA position 2405, A replaced by G.
Molecular consequence: intron variant.
Genome position (GRCh38, 1-based): chr17:65,533,908, T>C on the plus strand (A>G on the coding strand, the complement: AXIN2 is on the minus strand). VCF-style: chr17-65533908-T-C. GRCh37 (hg19) VCF-style: chr17-63530026-T-C.
Other names: c.2405+4A>G (LRG_296t1); c.2210+4A>G (NM_001363813.1).
Identifiers: ClinVar variation 234770 (VCV000234770.30), dbSNP rs377423720, ClinGen allele CA8718315.

ClinVar aggregate classification (germline): Conflicting classifications of pathogenicity. Review status: criteria provided, conflicting classifications (1 of 4 stars). 7 submissions from 7 submitters: Uncertain significance (4); Benign (1); Likely benign (1). 1 of the submissions does not count toward it. Last evaluated 2026-01-14.

Conditions:
AXIN2-related disorder.
Hereditary cancer-predisposing syndrome. Also called: Hereditary neoplastic syndrome; Hereditary Cancer Syndrome; Neoplastic Syndromes, Hereditary; Tumor predisposition. Identifiers: Orphanet 140162, MedGen C0027672, MeSH D009386, MONDO:0015356.
Oligodontia-cancer predisposition syndrome. Also called: TOOTH AGENESIS-COLORECTAL CANCER SYNDROME. Identifiers: Orphanet 300576, MedGen C1837750, MONDO:0012075, OMIM 608615. Disease mechanism: loss of function.

Allele frequency attached by ClinVar (database versions not stated): ExAC 0.00002; TOPMed 0.00005; ESP Exome Variant Server 0.00015; gnomAD 0.00003.
gnomAD v4.1: 156 of 1,581,852 alleles (0.0099%); highest among the groups gnomAD compares: Non-Finnish European, 0.013%; no homozygotes.

Submissions (7):

Labcorp Genetics (formerly Invitae), Labcorp
Classification: Likely benign for Oligodontia-cancer predisposition syndrome. Last evaluated: 2026-01-14. Review status: criteria provided, single submitter. Criteria: Invitae Variant Classification Sherloc (09022015). Collection method: clinical testing. Allele origin: germline.

Center for Genomic Medicine, Rigshospitalet, Copenhagen University Hospital
Classification: Uncertain significance. Last evaluated: 2025-03-04. Review status: criteria provided, single submitter. Criteria: ACMG Guidelines, 2015. Collection method: clinical testing. Allele origin: germline.

Ambry Genetics
Classification: Benign for Hereditary cancer-predisposing syndrome. Last evaluated: 2024-09-10. Review status: criteria provided, single submitter. Criteria: Ambry Variant Classification Scheme 2023. Collection method: clinical testing. Allele origin: germline.

Quest Diagnostics Nichols Institute San Juan Capistrano
Classification: Uncertain significance. Last evaluated: 2024-01-15. Review status: criteria provided, single submitter. Criteria: Quest Diagnostics criteria. Collection method: clinical testing. Allele origin: unknown.
Comment: The AXIN2 c.2405+4A>G variant has not been reported in individuals with AXIN2-related conditions in the published literature. The frequency of this variant in the general population, 0.000093 (12/128926 chromosomes (Genome Aggregation Database)), is uninformative in the assessment of its pathogenicity. Analysis of this variant using software algorithms for the prediction of the effect of nucleotide changes on AXIN2 mRNA splicing yielded inconclusive findings. Based on the available information, we are unable to determine the clinical significance of this variant.

Sema4
Classification: Uncertain significance for Hereditary cancer-predisposing syndrome. Last evaluated: 2022-01-14. Review status: criteria provided, single submitter. Criteria: Sema4 Curation Guidelines. Collection method: curation. Allele origin: germline.
Comment: The AXIN2 c.2405+4A>G variant has not been reported in the literature to our knowledge. It was observed in 12/128926 chromosomes of the Non-Finnish European subpopulation, with no homozygotes, in the large and broad cohorts of the Genome Aggregation Database (PMID: 32461654). This variant has been reported in ClinVar (Variation ID 234770). Transcriptional studies have not been performed, and in silico predictions of the variant's effect on RNA splicing are inconclusive. The evidence is insufficient to meet ACMG/AMP criteria for classifying the variant as benign or pathogenic. Thus, the clinical significance of this variant is currently uncertain.

GeneDx
Classification: Uncertain significance. Last evaluated: 2021-08-09. Review status: criteria provided, single submitter. Criteria: GeneDx Variant Classification Process June 2021. Collection method: clinical testing. Allele origin: germline. Affected: yes.
Comment: Has not been previously published as pathogenic or benign to our knowledge; In-silico analysis, which includes splice predictors and evolutionary conservation, is inconclusive as to whether the variant alters gene splicing. In the absence of RNA/functional studies, the actual effect of this sequence change is unknown.

PreventionGenetics, part of Exact Sciences
Classification: Likely benign for AXIN2-related condition. Last evaluated: 2024-01-02. Review status: no assertion criteria provided. Collection method: clinical testing. Allele origin: germline. Not counted in ClinVar's aggregate classification.
Comment: This variant is classified as likely benign based on ACMG/AMP sequence variant interpretation guidelines (Richards et al. 2015 PMID: 25741868, with internal and published modifications).